The following is an entry in ClinVar:

NM_001005337.3(PKP1):c.1325C>T (p.Ala442Val)

Gene: PKP1 (plakophilin 1; plus strand). Cytogenetic location: 1q32.1.
Variant type: single nucleotide variant.
Coding change: c.1325C>T on transcript NM_001005337.3 (MANE Select); coding-DNA position 1325, C replaced by T.
Protein change: p.Ala442Val; replaces alanine 442 with valine.
Molecular consequence: missense variant.
Genome position (GRCh38, 1-based): chr1:201,320,359, C>T. VCF-style: chr1-201320359-C-T. GRCh37 (hg19) VCF-style: chr1-201289487-C-T.
Other names: c.1388C>T, p.Ala463Val (NM_000299.4); short protein forms A463V, A442V.
Identifiers: ClinVar variation 294821 (VCV000294821.15), dbSNP rs10920171, ClinGen allele CA1324405.

ClinVar aggregate classification (germline): Benign. Review status: criteria provided, multiple submitters, no conflicts (2 of 4 stars). 3 submissions from 3 submitters: Benign (3). Last evaluated 2026-01-27.

Conditions:
Epidermolysis bullosa simplex due to plakophilin deficiency. Also called: MCGRATH SYNDROME. Identifiers: Orphanet 158668, MedGen C1858302, MONDO:0011472, OMIM 604536.

Allele frequency attached by ClinVar (database versions not stated): gnomAD exomes 0.00051 and 0.00138; ExAC 0.00169; gnomAD 0.00545 and 0.00591; 1000 Genomes Project 0.00579; 1000 Genomes Project 30x 0.00625; TOPMed 0.00627; ESP Exome Variant Server 0.00661.
gnomAD v4.1: 1,611 of 1,612,418 alleles (0.1%); highest among the groups gnomAD compares: African/African-American, 1.9%; 17 homozygotes.

Submissions (3):

Labcorp Genetics (formerly Invitae), Labcorp
Classification: Benign. Last evaluated: 2026-01-27. Review status: criteria provided, single submitter. Criteria: Invitae Variant Classification Sherloc (09022015). Collection method: clinical testing. Allele origin: germline.

Illumina Laboratory Services, Illumina
Classification: Benign for Epidermolysis bullosa simplex due to plakophilin deficiency. Last evaluated: 2018-01-13. Review status: criteria provided, single submitter. Criteria: ICSL Variant Classification Criteria 13 December 2019. Collection method: clinical testing. Allele origin: germline.
Comment: This variant was observed in the ICSL laboratory as part of a predisposition screen in an ostensibly healthy population. It had not been previously curated by ICSL or reported in the Human Gene Mutation Database (HGMD: prior to June 1st, 2018), and was therefore a candidate for classification through an automated scoring system. Utilizing variant allele frequency, disease prevalence and penetrance estimates, and inheritance mode, an automated score was calculated to assess if this variant is too frequent to cause the disease. Based on the score and internal cut-off values, a variant classified as benign is not then subjected to further curation. The score for this variant resulted in a classification of benign for this disease.

Breakthrough Genomics
Classification: Benign. Review status: criteria provided, single submitter. Criteria: ACMG Guidelines, 2015. Collection method: not provided. Allele origin: germline. Inheritance: Autosomal recessive inheritance. Affected: yes.